The following is an entry in ClinVar:

ClinVar aggregate classification (germline): Uncertain significance (1 of 4 stars; one submission).

Conditions:
Charcot-Marie-Tooth disease type 2. Also called: Charcot-Marie-Tooth type 2. Identifiers: Orphanet 64746, MedGen C0270914, MONDO:0018993.

Allele frequency attached by ClinVar (database versions not stated): ExAC 0.00001; TOPMed below 0.00001; gnomAD exomes 0.00001.
gnomAD v4.1: 4 of 1,614,168 alleles (0.00025%); highest among the groups gnomAD compares: Admixed American, 0.0067%; no homozygotes.

Submission:

Labcorp Genetics (formerly Invitae), Labcorp
Classification: Uncertain significance for Charcot-Marie-Tooth disease type 2. Last evaluated: 2025-10-26. Review status: criteria provided, single submitter. Criteria: Invitae Variant Classification Sherloc (09022015). Collection method: clinical testing. Allele origin: germline.
Comment: This sequence change replaces histidine, which is basic and polar, with proline, which is neutral and non-polar, at codon 95 of the AARS protein (p.His95Pro). This variant is present in population databases (rs764793550, gnomAD 0.006%). This variant has not been reported in the literature in individuals affected with AARS-related conditions. ClinVar contains an entry for this variant (Variation ID: 1682321). Invitae Evidence Modeling of protein sequence and biophysical properties (such as structural, functional, and spatial information, amino acid conservation, physicochemical variation, residue mobility, and thermodynamic stability) indicates that this missense variant is expected to disrupt AARS protein function with a positive predictive value of 95%. In summary, the available evidence is currently insufficient to determine the role of this variant in disease. Therefore, it has been classified as a Variant of Uncertain Significance.

NM_001605.3(AARS1):c.284A>C (p.His95Pro)

Gene: AARS1 (alanyl-tRNA synthetase 1; minus strand). Cytogenetic location: 16q22.1.
Variant type: single nucleotide variant.
Coding change: c.284A>C on transcript NM_001605.3 (MANE Select); coding-DNA position 284, A replaced by C.
Protein change: p.His95Pro; replaces histidine 95 with proline.
Molecular consequence: missense variant.
Genome position (GRCh38, 1-based): chr16:70,277,015, T>G on the plus strand (A>C on the coding strand, the complement: AARS1 is on the minus strand). VCF-style: chr16-70277015-T-G. GRCh37 (hg19) VCF-style: chr16-70310918-T-G.
Other names: short protein forms H95P.
Identifiers: ClinVar variation 1682321 (VCV001682321.8), dbSNP rs764793550, ClinGen allele CA8141177.